The following is an entry in ClinVar:

NM_002485.5(NBN):c.896+7A>G

Gene: NBN (nibrin; minus strand). Cytogenetic location: 8q21.3.
Variant type: single nucleotide variant.
Coding change: c.896+7A>G on transcript NM_002485.5 (MANE Select); 7 bases into the intron after coding-DNA position 896, A replaced by G.
Molecular consequence: intron variant.
Genome position (GRCh38, 1-based): chr8:89,970,357, T>C on the plus strand (A>G on the coding strand, the complement: NBN is on the minus strand). VCF-style: chr8-89970357-T-C. GRCh37 (hg19) VCF-style: chr8-90982585-T-C.
Other names: c.650+7A>G (NM_001024688.3).
Identifiers: ClinVar variation 416882 (VCV000416882.12), dbSNP rs1060504926, ClinGen allele CA16612494.

ClinVar aggregate classification (germline): Conflicting classifications of pathogenicity. Review status: criteria provided, conflicting classifications (1 of 4 stars). 2 submissions from 2 submitters: Uncertain significance (1); Likely benign (1). Last evaluated 2024-05-21.

Conditions:
Microcephaly, normal intelligence and immunodeficiency (NBS). Also called: Nijmegen breakage syndrome; Microcephaly with normal intelligence immunodeficiency and lymphoreticular malignancies; Nonsyndromal microcephaly autosomal recessive with normal intelligence; Seemanova syndrome 2; Immunodeficiency, microcephaly with normal intelligence; BERLIN BREAKAGE SYNDROME. Identifiers: Orphanet 647, MedGen C0398791, MONDO:0009623, OMIM 251260.

gnomAD v4.1: 14 of 1,596,546 alleles (0.00088%); highest among the groups gnomAD compares: Non-Finnish European, 0.0012%; no homozygotes.

Submissions (2):

Labcorp Genetics (formerly Invitae), Labcorp
Classification: Likely benign for Microcephaly, normal intelligence and immunodeficiency. Last evaluated: 2024-05-21. Review status: criteria provided, single submitter. Criteria: Invitae Variant Classification Sherloc (09022015). Collection method: clinical testing. Allele origin: germline.

Quest Diagnostics Nichols Institute San Juan Capistrano
Classification: Uncertain significance. Last evaluated: 2023-05-01. Review status: criteria provided, single submitter. Criteria: Quest Diagnostics criteria. Collection method: clinical testing. Allele origin: unknown.
Comment: To the best of our knowledge, this variant has not been reported in the published literature. It also has not been reported in large, multi-ethnic general populations. Analysis of this variant using software algorithms for the prediction of the effect of nucleotide changes on splicing yielded predictions that this variant does not affect NBN mRNA splicing . Based on the available information, we are unable to determine the clinical significance of this variant.